The following is an entry in ClinVar:

NM_000384.3(APOB):c.82+8C>A

Genes: APOB (apolipoprotein B; minus strand), LOC106560211 (APOB 5' regulatory region; plus strand). Cytogenetic location: 2p24.1.
Variant type: single nucleotide variant.
Coding change: c.82+8C>A on transcript NM_000384.3 (MANE Select); 8 bases into the intron after coding-DNA position 82, C replaced by A.
Molecular consequence: intron variant.
Genome position (GRCh38, 1-based): chr2:21,043,856, G>T on the plus strand (C>A on the coding strand, the complement: APOB is on the minus strand). VCF-style: chr2-21043856-G-T. GRCh37 (hg19) VCF-style: chr2-21266728-G-T.
Identifiers: ClinVar variation 619780 (VCV000619780.8), dbSNP rs932043593, ClinGen allele CA43470234.

ClinVar aggregate classification (germline): Conflicting classifications of pathogenicity. Review status: criteria provided, conflicting classifications (1 of 4 stars). 3 submissions from 3 submitters: Uncertain significance (2); Likely benign (1). Last evaluated 2026-05-08.

Conditions:
Familial hypercholesterolemia. Also called: Familial hypercholesterolemias; Familial hypercholesterolaemia. Identifiers: MedGen C0020445, MONDO:0005439.
Hypercholesterolemia, autosomal dominant, type B (FHCL2). Also called: APOB-Related Familial Hypercholesterolemia, Autosomal Dominant; Hyperlipoproteinemia Type IIb; Familial Hypercholesterolemia Type B; APOLIPOPROTEIN B-100, FAMILIAL DEFECTIVE; APOLIPOPROTEIN B-100, FAMILIAL LIGAND-DEFECTIVE; Familial hypercholesterolemia 2. Identifiers: MedGen C1704417, MONDO:0007751, OMIM 144010.
Familial hypobetalipoproteinemia 1. Also called: APOB-Related Familial Hypobetalipoproteinemia; Hypobetalipoproteinemia, normotriglyceridemic; Acanthocytosis with hypobetalipoproteinemia. Identifiers: MedGen C4551990, MONDO:0014252, OMIM 615558.

Allele frequency attached by ClinVar (database versions not stated): TOPMed 0.00001.

Submissions (3):

Cambridge Genomics Laboratory, East Genomic Laboratory Hub, NHS Genomic Medicine Service
Classification: Uncertain significance for Familial hypercholesterolaemia. Last evaluated: 2026-05-08. Review status: criteria provided, single submitter. Criteria: ACGS Best Practice Guidelines for Variant Classification in Rare Disease 2020. Collection method: clinical testing. Allele origin: germline. Affected: yes.
Comment: PM2_Supporting,PP4

Labcorp Genetics (formerly Invitae), Labcorp
Classification: Likely benign for Familial hypobetalipoproteinemia 1; Hypercholesterolemia, autosomal dominant, type B. Last evaluated: 2024-06-30. Review status: criteria provided, single submitter. Criteria: Invitae Variant Classification Sherloc (09022015). Collection method: clinical testing. Allele origin: germline.

Quest Diagnostics Nichols Institute San Juan Capistrano
Classification: Uncertain significance. Last evaluated: 2023-08-08. Review status: criteria provided, single submitter. Criteria: Quest Diagnostics criteria. Collection method: clinical testing. Allele origin: unknown.
Comment: To the best of our knowledge, this variant has not been reported in the published literature. It also has not been reported in large, multi-ethnic general populations (Genome Aggregation Database). Analysis of this variant using software algorithms for the prediction of the effect of nucleotide changes on splicing yielded predictions that this variant does not affect APOB mRNA splicing . Based on the available information, we are unable to determine the clinical significance of this variant.